The following is an entry in ClinVar:

ClinVar aggregate classification (germline): Uncertain significance (1 of 4 stars; one submission).

Conditions:
Ataxia-telangiectasia syndrome (AT). Also called: AT, COMPLEMENTATION GROUP C; Ataxia telangiectasia (A-T); ATAXIA-TELANGIECTASIA, COMPLEMENTATION GROUP A; ATAXIA-TELANGIECTASIA, FRESNO VARIANT; Ataxia-telangiectasia, complementation group D; Ataxia-telangiectasia, complementation group E. Identifiers: Orphanet 100, MedGen C0004135, MONDO:0008840, OMIM 208900.

Submission:

Labcorp Genetics (formerly Invitae), Labcorp
Classification: Uncertain significance for Ataxia-telangiectasia syndrome. Last evaluated: 2025-09-02. Review status: criteria provided, single submitter. Criteria: Invitae Variant Classification Sherloc (09022015). Collection method: clinical testing. Allele origin: germline.
Comment: This sequence change replaces tyrosine, which is neutral and polar, with cysteine, which is neutral and slightly polar, at codon 731 of the ATM protein (p.Tyr731Cys). This variant is not present in population databases (gnomAD no frequency). This variant has not been reported in the literature in individuals affected with ATM-related conditions. ClinVar contains an entry for this variant (Variation ID: 2865130). Invitae Evidence Modeling of protein sequence and biophysical properties (such as structural, functional, and spatial information, amino acid conservation, physicochemical variation, residue mobility, and thermodynamic stability) indicates that this missense variant is not expected to disrupt ATM protein function with a negative predictive value of 95%. In summary, the available evidence is currently insufficient to determine the role of this variant in disease. Therefore, it has been classified as a Variant of Uncertain Significance.

NM_000051.4(ATM):c.2192A>G (p.Tyr731Cys)

Gene: ATM (ATM serine/threonine kinase; plus strand). Cytogenetic location: 11q22.3.
Variant type: single nucleotide variant.
Coding change: c.2192A>G on transcript NM_000051.4 (MANE Select); coding-DNA position 2192, A replaced by G.
Protein change: p.Tyr731Cys; replaces tyrosine 731 with cysteine.
Molecular consequence: missense variant.
Genome position (GRCh38, 1-based): chr11:108,256,282, A>G. VCF-style: chr11-108256282-A-G. GRCh37 (hg19) VCF-style: chr11-108127009-A-G.
Other names: c.2192A>G, p.Tyr731Cys (NM_001351834.2); short protein forms Y731C.
Identifiers: ClinVar variation 2865130 (VCV002865130.3), dbSNP rs730881345, ClinGen allele CA382538920.